The following is an entry in ClinVar:

NM_001384732.1(CPLANE1):c.6201G>T (p.Met2067Ile)

Gene: CPLANE1 (ciliogenesis and planar polarity effector complex subunit 1; minus strand). Cytogenetic location: 5p13.2.
Variant type: single nucleotide variant.
Coding change: c.6201G>T on transcript NM_001384732.1 (MANE Select); coding-DNA position 6201, G replaced by T.
Protein change: p.Met2067Ile; replaces methionine 2067 with isoleucine.
Molecular consequence: missense variant.
Genome position (GRCh38, 1-based): chr5:37,170,302, C>A on the plus strand (G>T on the coding strand, the complement: CPLANE1 is on the minus strand). VCF-style: chr5-37170302-C-A. GRCh37 (hg19) VCF-style: chr5-37170404-C-A.
Other names: c.6201G>T, p.Met2067Ile (NM_023073.4); short protein forms M2067I.
Identifiers: ClinVar variation 2016209 (VCV002016209.4), dbSNP rs2547604482, ClinGen allele CA359482968.

ClinVar aggregate classification (germline): Uncertain significance (1 of 4 stars; one submission).

Allele frequency attached by ClinVar (database versions not stated): gnomAD exomes below 0.00001.
gnomAD v4.1: 1 of 1,613,604 alleles (0.000062%); highest among the groups gnomAD compares: South Asian, 0.0011%; no homozygotes.

Submission:

Labcorp Genetics (formerly Invitae), Labcorp
Classification: Uncertain significance. Last evaluated: 2022-07-11. Review status: criteria provided, single submitter. Criteria: Invitae Variant Classification Sherloc (09022015). Collection method: clinical testing. Allele origin: germline.
Comment: This sequence change replaces methionine, which is neutral and non-polar, with isoleucine, which is neutral and non-polar, at codon 2067 of the CPLANE1 protein (p.Met2067Ile). This variant is not present in population databases (gnomAD no frequency). This variant has not been reported in the literature in individuals affected with CPLANE1-related conditions. Advanced modeling of protein sequence and biophysical properties (such as structural, functional, and spatial information, amino acid conservation, physicochemical variation, residue mobility, and thermodynamic stability) performed at Invitae indicates that this missense variant is not expected to disrupt CPLANE1 protein function. In summary, the available evidence is currently insufficient to determine the role of this variant in disease. Therefore, it has been classified as a Variant of Uncertain Significance.